The following is an entry in ClinVar:

ClinVar aggregate classification (germline): Uncertain significance (1 of 4 stars; one submission).

Submission:

Labcorp Genetics (formerly Invitae), Labcorp
Classification: Uncertain significance. Last evaluated: 2024-04-11. Review status: criteria provided, single submitter. Criteria: Invitae Variant Classification Sherloc (09022015). Collection method: clinical testing. Allele origin: germline.
Comment: This sequence change replaces tryptophan, which is neutral and slightly polar, with arginine, which is basic and polar, at codon 131 of the FOXI3 protein (p.Trp131Arg). This variant is not present in population databases (gnomAD no frequency). This variant has not been reported in the literature in individuals affected with FOXI3-related conditions. ClinVar contains an entry for this variant (Variation ID: 1346792). Experimental studies and prediction algorithms are not available or were not evaluated, and the functional significance of this variant is currently unknown. In summary, the available evidence is currently insufficient to determine the role of this variant in disease. Therefore, it has been classified as a Variant of Uncertain Significance.

NM_001135649.3(FOXI3):c.391T>C (p.Trp131Arg)

Gene: FOXI3 (forkhead box I3; minus strand). Cytogenetic location: 2p11.2.
Variant type: single nucleotide variant.
Coding change: c.391T>C on transcript NM_001135649.3 (MANE Select); coding-DNA position 391, T replaced by C.
Protein change: p.Trp131Arg; replaces tryptophan 131 with arginine.
Molecular consequence: missense variant.
Genome position (GRCh38, 1-based): chr2:88,452,145, A>G on the plus strand (T>C on the coding strand, the complement: FOXI3 is on the minus strand). VCF-style: chr2-88452145-A-G. GRCh37 (hg19) VCF-style: chr2-88751664-A-G.
Other names: short protein forms W131R.
Identifiers: ClinVar variation 1346792 (VCV001346792.6), dbSNP rs2104263828, ClinGen allele CA347766457.